The following is an entry in ClinVar:

ClinVar aggregate classification (germline): Pathogenic. Review status: criteria provided, multiple submitters, no conflicts (2 of 4 stars). 6 submissions from 5 submitters: Pathogenic (4). 2 of the submissions do not count toward it. Last evaluated 2024-11-22.

Conditions:
Spastic paraplegia. Identifiers: MedGen C0037772, HP:0001258.
Charcot-Marie-Tooth disease X-linked dominant 1. Also called: GJB1 Disorders: Charcot-Marie-Tooth Neuropathy (CMT1X) and Central Nervous System Phenotypes; X-linked Charcot-Marie-Tooth disease type 1; CHARCOT-MARIE-TOOTH NEUROPATHY, X-LINKED, 1; CHARCOT-MARIE-TOOTH PERONEAL MUSCULAR ATROPHY, X-LINKED; HEREDITARY MOTOR AND SENSORY NEUROPATHY, X-LINKED; HMSN, X-LINKED. Identifiers: Orphanet 101075, MedGen C0393808, MONDO:0010549, OMIM 302800.
Charlevoix-Saguenay spastic ataxia (SACS). Also called: SPASTIC ATAXIA 6, AUTOSOMAL RECESSIVE; AUTOSOMAL RECESSIVE SPASTIC ATAXIA OF CHARLEVOIX-SAGUENAY; Spastic ataxia of Charlevoix-Saguenay. Identifiers: Orphanet 98, MedGen C1849140, MONDO:0010041, OMIM 270550.

Allele frequency attached by ClinVar (database versions not stated): gnomAD exomes below 0.00001.

Submissions (6):

Athena Diagnostics
Classification: Pathogenic. Last evaluated: 2024-11-22. Review status: criteria provided, single submitter. Criteria: Athena Diagnostics Criteria. Collection method: clinical testing. Allele origin: unknown.
Comment: This variant is expected to result in the loss of a functional protein. This variant has not been reported in large, multi-ethnic general populations. This variant has been identified in at least one individual with clinical features associated with this gene. In multiple individuals, this variant has been seen with a single recessive pathogenic variant in the same gene, suggesting this variant may also be pathogenic.

Labcorp Genetics (formerly Invitae), Labcorp
Classification: Pathogenic for Spastic paraplegia. Last evaluated: 2023-08-24. Review status: criteria provided, single submitter. Criteria: Invitae Variant Classification Sherloc (09022015). Collection method: clinical testing. Allele origin: germline.
Comment: For these reasons, this variant has been classified as Pathogenic. ClinVar contains an entry for this variant (Variation ID: 559870). This variant has not been reported in the literature in individuals affected with SACS-related conditions. This variant is not present in population databases (gnomAD no frequency). This sequence change creates a premature translational stop signal (p.Arg88*) in the SACS gene. It is expected to result in an absent or disrupted protein product. Loss-of-function variants in SACS are known to be pathogenic (PMID: 18465152, 20876471).

Genetic Services Laboratory, University of Chicago
Classification: Pathogenic. Last evaluated: 2019-08-01. Review status: criteria provided, single submitter. Criteria: ACMG Guidelines, 2015. Collection method: clinical testing. Allele origin: germline. Affected: yes.
Comment: DNA sequence analysis of the SACS gene demonstrated the pathogenic sequence change, c.262C>T, which results in the creation of a premature stop codon at amino acid position 88, p.Arg88*. This pathogenic sequence change is predicted to result in an abnormal transcript, which may be degraded, or may lead to the production of a truncated SACS protein with potentially abnormal function. This pathogenic sequence change has not been described in a patient with SACS-related ataxia. This is a novel sequence change that is not present in the population databases (gnomAD and ExAC).

Equipe Genetique des Anomalies du Developpement, Université de Bourgogne
Classification: Pathogenic for Charlevoix-Saguenay spastic ataxia. Last evaluated: 2017-02-20. Review status: criteria provided, single submitter. Criteria: ACMG Guidelines, 2015. Collection method: clinical testing. Allele origin: unknown. Affected: yes. Study: Clinvar_gadteam_Clinical_exome_analysis_3.

Institute of Human Genetics, University of Ulm
Classification: Likely pathogenic for Charcot-Marie-Tooth disease X-linked dominant 1. Last evaluated: 2022-04-12. Review status: no assertion criteria provided. Collection method: research. Allele origin: germline. Inheritance: X-linked dominant inheritance. Affected: yes. Observed: 3 hemizygotes. Not counted in ClinVar's aggregate classification.

Institute of Human Genetics, University of Ulm
Classification: Likely pathogenic for Charlevoix-Saguenay spastic ataxia. Last evaluated: 2022-04-12. Review status: no assertion criteria provided. Collection method: research. Allele origin: germline. Inheritance: Autosomal recessive inheritance. Affected: yes. Observed: 2 variant alleles, 2 homozygotes. Not counted in ClinVar's aggregate classification.

Literature cited by the submitters: PubMed 34085946 (cited by Athena Diagnostics); PubMed 36833258 (cited by Athena Diagnostics); PubMed 18465152 (cited by Labcorp Genetics (formerly Invitae), Labcorp); PubMed 20876471 (cited by Labcorp Genetics (formerly Invitae), Labcorp).

NM_014363.6(SACS):c.262C>T (p.Arg88Ter)

Gene: SACS (sacsin molecular chaperone; minus strand). Cytogenetic location: 13q12.12.
Variant type: single nucleotide variant.
Coding change: c.262C>T on transcript NM_014363.6 (MANE Select); coding-DNA position 262, C replaced by T.
Protein change: p.Arg88Ter; replaces arginine 88 with a stop codon.
Molecular consequence: nonsense. On other transcripts: 5 prime UTR variant (1).
Genome position (GRCh38, 1-based): chr13:23,368,485, G>A on the plus strand (C>T on the coding strand, the complement: SACS is on the minus strand). VCF-style: chr13-23368485-G-A. GRCh37 (hg19) VCF-style: chr13-23942624-G-A.
Other names: c.-180C>T (NM_001278055.2); short protein forms R88*.
Identifiers: ClinVar variation 559870 (VCV000559870.13), dbSNP rs1555255676, ClinGen allele CA387553373.
Genomic context (GRCh38, chr13:23,368,485, plus strand): 5'-GATATCTTCTCAAAATGTCCTTGAGAAAATCAACAAGTGGTGGCGTTGTCTGACCAAATC[G>A]ACCTAAAATACGGAGCACATTTTAAGTGAGTTAGAAAAAAAATCCCATGAATTGTCACCA-3'